The following is an entry in ClinVar:

NM_001267550.2(TTN):c.91142G>C (p.Gly30381Ala)

Genes: TTN (titin; minus strand), TTN-AS1 (TTN antisense RNA 1; plus strand). Cytogenetic location: 2q31.2.
Variant type: single nucleotide variant.
Coding change: c.91142G>C on transcript NM_001267550.2 (MANE Select); coding-DNA position 91142, G replaced by C.
Protein change: p.Gly30381Ala; replaces glycine 30381 with alanine.
Molecular consequence: missense variant.
Genome position (GRCh38, 1-based): chr2:178,551,758, C>G on the plus strand (G>C on the coding strand, the complement: TTN is on the minus strand). VCF-style: chr2-178551758-C-G. GRCh37 (hg19) VCF-style: chr2-179416485-C-G.
Other names: c.86219G>C, p.Gly28740Ala (NM_001256850.1); c.63947G>C, p.Gly21316Ala (NM_003319.4); c.83438G>C, p.Gly27813Ala (NM_133378.4); c.64322G>C, p.Gly21441Ala (NM_133432.3); c.64523G>C, p.Gly21508Ala (NM_133437.4); short protein forms G21316A, G21441A, G21508A, G27813A, G28740A, G30381A.
Identifiers: ClinVar variation 3390770 (VCV003390770.1).

ClinVar aggregate classification (germline): Uncertain significance (1 of 4 stars; one submission).

gnomAD v4.1: 4 of 1,613,838 alleles (0.00025%); highest among the groups gnomAD compares: Non-Finnish European, 0.00034%; no homozygotes.

Submission:

GeneDx
Classification: Uncertain significance. Last evaluated: 2024-06-12. Review status: criteria provided, single submitter. Criteria: GeneDx Variant Classification Process June 2021. Collection method: clinical testing. Allele origin: germline. Affected: yes.
Comment: Not observed at significant frequency in large population cohorts (gnomAD); Missense variant in a gene in which most reported pathogenic variants are truncating/loss of function; Has not been previously published as pathogenic or benign to our knowledge